The following is an entry in ClinVar:

ClinVar aggregate classification (germline): Uncertain significance (1 of 4 stars; one submission).

Conditions:
Cardiovascular phenotype. Identifiers: MedGen CN230736.

Submission:

Ambry Genetics
Classification: Uncertain significance for Cardiovascular phenotype. Last evaluated: 2025-03-01. Review status: criteria provided, single submitter. Criteria: Ambry Variant Classification Scheme 2023. Collection method: clinical testing. Allele origin: germline.
Comment: The p.S148Y variant (also known as c.443C>A), located in coding exon 5 of the SPRED1 gene, results from a C to A substitution at nucleotide position 443. The serine at codon 148 is replaced by tyrosine, an amino acid with dissimilar properties. This amino acid position is conserved. In addition, the in silico prediction for this alteration is inconclusive. Based on the available evidence, the clinical significance of this variant remains unclear.

NM_152594.3(SPRED1):c.443C>A (p.Ser148Tyr)

Gene: SPRED1 (sprouty related EVH1 domain containing 1; plus strand). Cytogenetic location: 15q14.
Variant type: single nucleotide variant.
Coding change: c.443C>A on transcript NM_152594.3 (MANE Select); coding-DNA position 443, C replaced by A.
Protein change: p.Ser148Tyr; replaces serine 148 with tyrosine.
Molecular consequence: missense variant.
Genome position (GRCh38, 1-based): chr15:38,339,756, C>A. VCF-style: chr15-38339756-C-A. GRCh37 (hg19) VCF-style: chr15-38631957-C-A.
Other names: short protein forms S148Y.
Identifiers: ClinVar variation 3800932 (VCV003800932.1).
Genomic context (GRCh38, chr15:38,339,756, plus strand): 5'-TTTATTCTGGCAACTAATGCATTGAGGGTTGTTCCCAATAGGCAAATGAAGAGGATTCTT[C>A]CAGTTCTCTAGTGAAGGATCACCTTTTTCAGCAAGAGACAGTTGTTACCAGTGAGCCTTA-3'
Protein context (NP_689807.1, residues 138-158): DDLQANEEDS[Ser148Tyr]SSLVKDHLFQ